The following is an entry in ClinVar:

NM_032634.4(PIGO):c.1013G>A (p.Gly338Glu)

Gene: PIGO (phosphatidylinositol glycan anchor biosynthesis class O; minus strand). Cytogenetic location: 9p13.3.
Variant type: single nucleotide variant.
Coding change: c.1013G>A on transcript NM_032634.4 (MANE Select); coding-DNA position 1013, G replaced by A.
Protein change: p.Gly338Glu; replaces glycine 338 with glutamic acid.
Molecular consequence: missense variant.
Genome position (GRCh38, 1-based): chr9:35,093,136, C>T on the plus strand (G>A on the coding strand, the complement: PIGO is on the minus strand). VCF-style: chr9-35093136-C-T. GRCh37 (hg19) VCF-style: chr9-35093133-C-T.
Other names: c.1013G>A, p.Gly338Glu (NM_001201484.2, NM_152850.4); short protein forms G338E.
Identifiers: ClinVar variation 429968 (VCV000429968.16), dbSNP rs749274989, ClinGen allele CA5040750.

ClinVar aggregate classification (germline): Uncertain significance. Review status: criteria provided, multiple submitters, no conflicts (2 of 4 stars). 4 submissions from 4 submitters: Uncertain significance (4). Last evaluated 2023-08-17.

Conditions:
Hyperphosphatasia with impaired intellectual development syndrome 2. Also called: GLYCOSYLPHOSPHATIDYLINOSITOL BIOSYNTHESIS DEFECT 6; Hyperphosphatasia with intellectual disability syndrome 2. Identifiers: Orphanet 247262, MedGen C3553637, MONDO:0013882, OMIM 614749.

Allele frequency attached by ClinVar (database versions not stated): gnomAD exomes 0.00004 and 0.00002; ExAC 0.00002; gnomAD 0.00004; TOPMed 0.00004.
gnomAD v4.1: 40 of 1,614,042 alleles (0.0025%); highest among the groups gnomAD compares: Middle Eastern, 0.016%; no homozygotes.

Submissions (4):

GeneDx
Classification: Uncertain significance. Last evaluated: 2023-08-17. Review status: criteria provided, single submitter. Criteria: GeneDx Variant Classification Process June 2021. Collection method: clinical testing. Allele origin: germline. Affected: yes.
Comment: Not observed at significant frequency in large population cohorts (gnomAD); In silico analysis supports that this missense variant has a deleterious effect on protein structure/function; Has not been previously published as pathogenic or benign to our knowledge

Labcorp Genetics (formerly Invitae), Labcorp
Classification: Uncertain significance for Hyperphosphatasia with impaired intellectual development syndrome 2. Last evaluated: 2022-10-05. Review status: criteria provided, single submitter. Criteria: Invitae Variant Classification Sherloc (09022015). Collection method: clinical testing. Allele origin: germline.
Comment: This sequence change replaces glycine, which is neutral and non-polar, with glutamic acid, which is acidic and polar, at codon 338 of the PIGO protein (p.Gly338Glu). This variant is present in population databases (rs749274989, gnomAD 0.009%). This variant has not been reported in the literature in individuals affected with PIGO-related conditions. ClinVar contains an entry for this variant (Variation ID: 429968). Advanced modeling of protein sequence and biophysical properties (such as structural, functional, and spatial information, amino acid conservation, physicochemical variation, residue mobility, and thermodynamic stability) performed at Invitae indicates that this missense variant is not expected to disrupt PIGO protein function. Algorithms developed to predict the effect of sequence changes on RNA splicing suggest that this variant may create or strengthen a splice site. In summary, the available evidence is currently insufficient to determine the role of this variant in disease. Therefore, it has been classified as a Variant of Uncertain Significance.

Athena Diagnostics
Classification: Uncertain significance. Last evaluated: 2018-03-26. Review status: criteria provided, single submitter. Criteria: Athena Diagnostics Criteria. Collection method: clinical testing. Allele origin: germline.

Illumina Laboratory Services, Illumina
Classification: Uncertain significance for Hyperphosphatasia with impaired intellectual development syndrome 2. Last evaluated: 2018-01-12. Review status: criteria provided, single submitter. Criteria: ICSL Variant Classification Criteria 13 December 2019. Collection method: clinical testing. Allele origin: germline.